The following is an entry in ClinVar:

NM_000093.5(COL5A1):c.1535T>C (p.Leu512Pro)

Gene: COL5A1 (collagen type V alpha 1 chain; plus strand). Cytogenetic location: 9q34.3.
Variant type: single nucleotide variant.
Coding change: c.1535T>C on transcript NM_000093.5 (MANE Select); coding-DNA position 1535, T replaced by C.
Protein change: p.Leu512Pro; replaces leucine 512 with proline.
Molecular consequence: missense variant.
Genome position (GRCh38, 1-based): chr9:134,750,582, T>C. VCF-style: chr9-134750582-T-C. GRCh37 (hg19) VCF-style: chr9-137642428-T-C.
Other names: p.L512P:CTG>CCG; c.1535T>C, p.Leu512Pro (NM_001278074.1); short protein forms L512P.
Identifiers: ClinVar variation 212934 (VCV000212934.2), dbSNP rs863223442, ClinGen allele CA320709.

ClinVar aggregate classification (germline): Uncertain significance (1 of 4 stars; one submission).

Allele frequency attached by ClinVar (database versions not stated): gnomAD exomes below 0.00001.
gnomAD v4.1: 1 of 1,613,558 alleles (0.000062%); highest among the groups gnomAD compares: Non-Finnish European, 0.000085%; no homozygotes.

Submission:

GeneDx
Classification: Uncertain significance. Last evaluated: 2015-01-05. Review status: criteria provided, single submitter. Criteria: GeneDx Variant Classification (06012015). Collection method: clinical testing. Allele origin: germline. Affected: yes.
Comment: p.Leu512Pro (CTG>CCG): c.1535 T>C in exon 12 of the COL5A1 gene (NM_000093.3)A variant of unknown significance has been identified in the COL5A1 gene. The L512P variant has not been published as a mutation or as a benign polymorphism to our knowledge. The L512P variant was not observed in approximately 6,500 individuals of European and African American ancestry in the NHLBI Exome Sequencing Project, indicating it is not a common benign variant in these populations. This substitution occurs at a position that is conserved across species. Furthermore, in silico analysis predicts this variant is probably damaging to the protein structure/function. The L512P variant is a semi-conservative amino acid substitution, which may impact secondary protein structure as these residues differ in some properties. Only one missense mutation in a nearby residue (G511V) has been reported.Therefore, based on the currently available information, it is unclear whether this variant is a pathogenic mutation or a rare benign variant.This variant was found in TAADV2-1